The following is an entry in ClinVar:

NM_025114.4(CEP290):c.1466T>C (p.Leu489Pro)

Gene: CEP290 (centrosomal protein 290; minus strand). Cytogenetic location: 12q21.32.
Variant type: single nucleotide variant.
Coding change: c.1466T>C on transcript NM_025114.4 (MANE Select); coding-DNA position 1466, T replaced by C.
Protein change: p.Leu489Pro; replaces leucine 489 with proline.
Molecular consequence: missense variant.
Genome position (GRCh38, 1-based): chr12:88,120,170, A>G on the plus strand (T>C on the coding strand, the complement: CEP290 is on the minus strand). VCF-style: chr12-88120170-A-G. GRCh37 (hg19) VCF-style: chr12-88513947-A-G.
Other names: NM_025114.4(CEP290):c.1466T>C; p.Leu489Pro; short protein forms L489P.
Identifiers: ClinVar variation 2932624 (VCV002932624.6), dbSNP rs1340148485, ClinGen allele CA385979889.

ClinVar aggregate classification (germline): Uncertain significance. Review status: reviewed by expert panel (3 of 4 stars). 3 submissions from 3 submitters: Uncertain significance (1). 2 of the submissions do not count toward it. Last evaluated 2026-07-20.

Conditions:
Joubert syndrome. Also called: JOUBERT-BOLTSHAUSER SYNDROME; Familial aplasia of the vermis. Identifiers: Orphanet 475, MedGen C5979921, MONDO:0018772.
Meckel-Gruber syndrome. Also called: DYSENCEPHALIA SPLANCHNOCYSTICA; GRUBER SYNDROME; Dysencephalia splachnocystica. Identifiers: Orphanet 564, MedGen C0265215, MONDO:0018921.
Nephronophthisis. Also called: Juvenile Nephronophthisis. Identifiers: Orphanet 655, MedGen C0687120, MONDO:0019005, HP:0000090.
CEP290-related ciliopathy. Also called: CEP290 ciliopathy. Identifiers: MedGen CN305601, MONDO:0100451.

Allele frequency attached by ClinVar (database versions not stated): TOPMed below 0.00001; gnomAD 0.00001.

Submissions (3):

ClinGen Leber Congenital Amaurosis/early Onset Retinal Dystrophy Variant Curation Expert Panel, ClinGen
Classification: Uncertain significance for CEP290-related ciliopathy. Last evaluated: 2026-07-20. Review status: reviewed by expert panel. Criteria: ClinGen LCAeoRD ACMG Specifications CEP290 V1.0.0. Collection method: curation. Allele origin: germline. Inheritance: Autosomal recessive inheritance.
Comment: NM_025114.4(CEP290):c.1466T>C (p.Leu489Pro) is a missense variant that replaces leucine with proline at amino acid 489. This variant is present in gnomAD v4.1.1 at a total allele frequency of 0.0000006505, with 1 allele / 1,537,272 total alleles, which is lower than the ClinGen LCA/eoRD VCEP PM2_Supporting threshold of <0.0006 (PM2_Supporting). This variant has been reported in at least 1 proband with early-onset severe retinal dystrophy who was compound heterozygous with the NM_025114.4(CEP290):c.1666del (p.Ile556fs) variant confirmed in trans, which was previously classified pathogenic by the ClinGen LCA/eoRD VCEP (1 total point, PMID: 34196655, PM3). The proband exhibits a phenotype including diagnosis of either Leber congenital amaurosis, early onset severe retinal dystrophy, or retinitis pigmentosa (0.5 pts), which is not sufficiently specific for CEP290-related ciliopathy to meet the PP4 code (0.5 total points, PMID: 34196655). The variant has been reported to segregate with childhood-onset severe retinal dystrophy through the proband plus 1 similarly affected relative, with the variant present in the compound heterozygous state (PMID: 34196655, PP1). The computational predictor CADD gives a score of 26.5, which is above the ClinGen LCA/eoRD VCEP threshold of ≥25.3 and predicts a damaging effect on CEP290 protein function (PP3). Additionally, the splicing impact predictor SpliceAI gives a score of 0.01 for donor loss, which is below the ClinGen LCA/eoRD VCEP recommended threshold of ≥0.2 and does not strongly predict an impact on splicing. In summary, this variant meets the criteria to be classified as a Variant of Uncertain Significance for CEP290-related ciliopathy based on the ACMG/AMP criteria applied, as specified by the ClinGen LCA/eoRD VCEP: PM2_Supporting, PM3, PP3, and PP1. (LCA/eoRD VCEP Specifications for CEP290 Version 1.0.0)

Women's Health and Genetics/Laboratory Corporation of America, LabCorp
Classification: Uncertain significance. Last evaluated: 2025-08-01. Review status: criteria provided, single submitter. Criteria: LabCorp Variant Classification Summary - May 2015. Collection method: clinical testing. Allele origin: germline. Not counted in ClinVar's aggregate classification.
Comment: Variant summary: CEP290 c.1466T>C (p.Leu489Pro) results in a non-conservative amino acid change in the encoded protein sequence. Algorithms developed to predict the effect of missense changes on protein structure and function are either unavailable or do not agree on the potential impact of this missense change. The variant was absent in 157838 control chromosomes. c.1466T>C has been reported in two individuals from a family affected with CEP290-related conditions (Testa_2021). These data indicate that the variant may be associated with disease. To our knowledge, no experimental evidence demonstrating an impact on protein function has been reported. The following publication has been ascertained in the context of this evaluation (PMID: 34196655). ClinVar contains an entry for this variant (Variation ID: 2932624). Based on the evidence outlined above, the variant was classified as VUS-possibly pathogenic.

Labcorp Genetics (formerly Invitae), Labcorp
Classification: Likely pathogenic for Joubert syndrome; Meckel-Gruber syndrome; Nephronophthisis. Last evaluated: 2023-08-28. Review status: criteria provided, single submitter. Criteria: Invitae Variant Classification Sherloc (09022015). Collection method: clinical testing. Allele origin: germline. Not counted in ClinVar's aggregate classification.
Comment: This sequence change replaces leucine, which is neutral and non-polar, with proline, which is neutral and non-polar, at codon 489 of the CEP290 protein (p.Leu489Pro). This variant is not present in population databases (gnomAD no frequency). This missense change has been observed in individual(s) with CEP290-related conditions (PMID: 34196655). In at least one individual the data is consistent with being in trans (on the opposite chromosome) from a pathogenic variant. It has also been observed to segregate with disease in related individuals. Advanced modeling of protein sequence and biophysical properties (such as structural, functional, and spatial information, amino acid conservation, physicochemical variation, residue mobility, and thermodynamic stability) performed at Invitae indicates that this missense variant is expected to disrupt CEP290 protein function. In summary, the currently available evidence indicates that the variant is pathogenic, but additional data are needed to prove that conclusively. Therefore, this variant has been classified as Likely Pathogenic.

Literature cited by the submitters: PubMed 34196655 (cited by Women's Health and Genetics/Laboratory Corporation of America, LabCorp and Labcorp Genetics (formerly Invitae), Labcorp).